The following is an entry in ClinVar:

ClinVar aggregate classification (germline): Uncertain significance (1 of 4 stars; one submission).

Conditions:
Hereditary cancer-predisposing syndrome. Also called: Neoplastic Syndromes, Hereditary; Tumor predisposition; Hereditary Cancer Syndrome; Hereditary neoplastic syndrome. Identifiers: Orphanet 140162, MedGen C0027672, MeSH D009386, MONDO:0015356.

Allele frequency attached by ClinVar (database versions not stated): gnomAD exomes below 0.00001.
gnomAD v4.1: 1 of 1,614,210 alleles (0.000062%); highest among the groups gnomAD compares: Non-Finnish European, 0.000085%; no homozygotes.

Submission:

Ambry Genetics
Classification: Uncertain significance for Hereditary cancer-predisposing syndrome. Last evaluated: 2022-07-26. Review status: criteria provided, single submitter. Criteria: Ambry Variant Classification Scheme 2023. Collection method: clinical testing. Allele origin: germline.
Comment: The p.L221V variant (also known as c.661C>G), located in coding exon 5 of the CTNNA1 gene, results from a C to G substitution at nucleotide position 661. The leucine at codon 221 is replaced by valine, an amino acid with highly similar properties. This amino acid position is conserved. In addition, this alteration is predicted to be deleterious by in silico analysis. Since supporting evidence is limited at this time, the clinical significance of this alteration remains unclear.

NM_001903.5(CTNNA1):c.661C>G (p.Leu221Val)

Gene: CTNNA1 (catenin alpha 1; plus strand). Cytogenetic location: 5q31.2.
Variant type: single nucleotide variant.
Coding change: c.661C>G on transcript NM_001903.5 (MANE Select); coding-DNA position 661, C replaced by G.
Protein change: p.Leu221Val; replaces leucine 221 with valine.
Molecular consequence: missense variant.
Genome position (GRCh38, 1-based): chr5:138,824,602, C>G. VCF-style: chr5-138824602-C-G. GRCh37 (hg19) VCF-style: chr5-138160291-C-G.
Other names: c.661C>G, p.Leu221Val (NM_001290307.3, NM_001323982.2, NM_001323983.1 and 3 more transcripts); c.352C>G, p.Leu118Val (NM_001290309.3); c.292C>G, p.Leu98Val (NM_001290310.3); short protein forms L98V, L118V, L221V.
Identifiers: ClinVar variation 1754510 (VCV001754510.2), dbSNP rs1418040582, ClinGen allele CA361129626.